The following is an entry in ClinVar:

ClinVar aggregate classification (germline): Uncertain significance. Review status: criteria provided, single submitter (1 of 4 stars). 2 submissions from 2 submitters: Uncertain significance (1). 1 of the submissions does not count toward it. Last evaluated 2022-03-04.

Conditions:
Metaphyseal chondrodysplasia, McKusick type (CHH). Also called: Cartilage-hair hypoplasia; Cartilage-Hair Hypoplasia (CHH). Identifiers: Orphanet 175, MedGen C0220748, MONDO:0009595, OMIM 250250.
Anauxetic dysplasia. Identifiers: Orphanet 93347, MedGen C1846796, MONDO:0011773.

Allele frequency attached by ClinVar (database versions not stated): TOPMed 0.00006.
gnomAD v4.1: 20 of 685,222 alleles (0.0029%); highest among the groups gnomAD compares: Middle Eastern, 0.037%; no homozygotes.

Submissions (2):

Labcorp Genetics (formerly Invitae), Labcorp
Classification: Uncertain significance for Anauxetic dysplasia. Last evaluated: 2022-03-04. Review status: criteria provided, single submitter. Criteria: Invitae Variant Classification Sherloc (09022015). Collection method: clinical testing. Allele origin: germline.
Comment: This variant occurs in the RMRP gene, which encodes an RNA molecule that does not result in a protein product. This variant is present in population databases (no rsID available, gnomAD 0.007%). This variant has not been reported in the literature in individuals affected with RMRP-related conditions. ClinVar contains an entry for this variant (Variation ID: 946869). Experimental studies and prediction algorithms are not available or were not evaluated, and the functional significance of this variant is currently unknown. In summary, the available evidence is currently insufficient to determine the role of this variant in disease. Therefore, it has been classified as a Variant of Uncertain Significance.

Natera, Inc.
Classification: Uncertain significance for Cartilage-hair hypoplasia. Last evaluated: 2020-05-26. Review status: no assertion criteria provided. Collection method: clinical testing. Allele origin: germline. Not counted in ClinVar's aggregate classification.

NR_003051.4(RMRP):n.266C>T

Gene: RMRP (RNA component of mitochondrial RNA processing endoribonuclease; minus strand). Cytogenetic location: 9p13.3.
Variant type: single nucleotide variant.
Genome position: GRCh38 VCF-style: chr9-35657754-G-A. GRCh37 (hg19) VCF-style: chr9-35657751-G-A.
Identifiers: ClinVar variation 946869 (VCV000946869.5), dbSNP rs962412737, ClinGen allele CA192745524.